The following is an entry in ClinVar:

NM_000426.4(LAMA2):c.3098C>G (p.Pro1033Arg)

Gene: LAMA2 (laminin subunit alpha 2; plus strand). Cytogenetic location: 6q22.33.
Variant type: single nucleotide variant.
Coding change: c.3098C>G on transcript NM_000426.4 (MANE Select); coding-DNA position 3098, C replaced by G.
Protein change: p.Pro1033Arg; replaces proline 1033 with arginine.
Molecular consequence: missense variant.
Genome position (GRCh38, 1-based): chr6:129,300,796, C>G. VCF-style: chr6-129300796-C-G. GRCh37 (hg19) VCF-style: chr6-129621941-C-G.
Other names: c.3098C>G, p.Pro1033Arg (NM_001079823.2); short protein forms P1033R.
Identifiers: ClinVar variation 956041 (VCV000956041.5), dbSNP rs113957073, ClinGen allele CA3993168.
Genomic context (GRCh38, chr6:129,300,796, plus strand): 5'-CTTGTGAATGTTCTCATCTGGGTAATAATTGTGACCCAAAGACTGGGCGATGCATTTGCC[C>G]TCCCAATACCATTGGAGAGAAATGTTCTAAATGTGCACCCAATACCTGGGGCCACAGCAT-3'
Protein context (NP_000417.3, residues 1023-1043): CDPKTGRCIC[Pro1033Arg]PNTIGEKCSK

ClinVar aggregate classification (germline): Uncertain significance. Review status: criteria provided, multiple submitters, no conflicts (2 of 4 stars). 2 submissions from 2 submitters: Uncertain significance (2). Last evaluated 2025-08-22.

Conditions:
Inborn genetic diseases. Identifiers: MedGen C0950123, MeSH D030342.
LAMA2-related muscular dystrophy (LAMA2-RD). Also called: Laminin alpha 2-related dystrophy. Identifiers: MedGen C5679788, MONDO:0100228.

Allele frequency attached by ClinVar (database versions not stated): gnomAD exomes below 0.00001; ExAC 0.00002; gnomAD 0.00003 and 0.00004; TOPMed 0.00004; ESP Exome Variant Server 0.00015.
gnomAD v4.1: 14 of 1,613,414 alleles (0.00087%); highest among the groups gnomAD compares: Middle Eastern, 0.016%; no homozygotes.

Submissions (2):

Ambry Genetics
Classification: Uncertain significance for Inborn genetic diseases. Last evaluated: 2025-08-22. Review status: criteria provided, single submitter. Criteria: Ambry Variant Classification Scheme 2023. Collection method: clinical testing. Allele origin: germline.

Labcorp Genetics (formerly Invitae), Labcorp
Classification: Uncertain significance for LAMA2-related muscular dystrophy. Last evaluated: 2021-11-08. Review status: criteria provided, single submitter. Criteria: Invitae Variant Classification Sherloc (09022015). Collection method: clinical testing. Allele origin: germline.
Comment: This sequence change replaces proline, which is neutral and non-polar, with arginine, which is basic and polar, at codon 1033 of the LAMA2 protein (p.Pro1033Arg). This variant is present in population databases (rs113957073, gnomAD 0.007%). This variant has not been reported in the literature in individuals affected with LAMA2-related conditions. ClinVar contains an entry for this variant (Variation ID: 956041). Advanced modeling of protein sequence and biophysical properties (such as structural, functional, and spatial information, amino acid conservation, physicochemical variation, residue mobility, and thermodynamic stability) performed at Invitae indicates that this missense variant is not expected to disrupt LAMA2 protein function. In summary, the available evidence is currently insufficient to determine the role of this variant in disease. Therefore, it has been classified as a Variant of Uncertain Significance.